The following is an entry in ClinVar:

NM_001364905.1(LRBA):c.3976A>G (p.Ile1326Val)

Gene: LRBA (LPS responsive beige-like anchor protein; minus strand). Cytogenetic location: 4q31.3.
Variant type: single nucleotide variant.
Coding change: c.3976A>G on transcript NM_001364905.1 (MANE Select); coding-DNA position 3976, A replaced by G.
Protein change: p.Ile1326Val; replaces isoleucine 1326 with valine.
Molecular consequence: missense variant.
Genome position (GRCh38, 1-based): chr4:150,850,752, T>C on the plus strand (A>G on the coding strand, the complement: LRBA is on the minus strand). VCF-style: chr4-150850752-T-C. GRCh37 (hg19) VCF-style: chr4-151771904-T-C.
Other names: c.3976A>G, p.Ile1326Val (NM_001199282.3, NM_001367550.1, NM_006726.5); short protein forms I1326V.
Identifiers: ClinVar variation 1387865 (VCV001387865.5), dbSNP rs1750518028, ClinGen allele CA358455289.

ClinVar aggregate classification (germline): Uncertain significance (1 of 4 stars; one submission).

Conditions:
Combined immunodeficiency due to LRBA deficiency. Also called: Common variable immunodeficiency 8, with autoimmunity. Identifiers: Orphanet 445018, MedGen C3553512, MONDO:0013863, OMIM 614700.

Allele frequency attached by ClinVar (database versions not stated): gnomAD exomes below 0.00001.
gnomAD v4.1: 1 of 1,612,926 alleles (0.000062%); highest among the groups gnomAD compares: Non-Finnish European, 0.000085%; no homozygotes.

Submission:

Labcorp Genetics (formerly Invitae), Labcorp
Classification: Uncertain significance for Combined immunodeficiency due to LRBA deficiency. Last evaluated: 2021-09-01. Review status: criteria provided, single submitter. Criteria: Invitae Variant Classification Sherloc (09022015). Collection method: clinical testing. Allele origin: germline.
Comment: This sequence change replaces isoleucine with valine at codon 1326 of the LRBA protein (p.Ile1326Val). The isoleucine residue is weakly conserved and there is a small physicochemical difference between isoleucine and valine. This variant is not present in population databases (ExAC no frequency). This variant has not been reported in the literature in individuals affected with LRBA-related conditions. Algorithms developed to predict the effect of missense changes on protein structure and function are either unavailable or do not agree on the potential impact of this missense change (SIFT: "Tolerated"; PolyPhen-2: "Probably Damaging"; Align-GVGD: "Class C0"). Algorithms developed to predict the effect of sequence changes on RNA splicing suggest that this variant may create or strengthen a splice site. In summary, the available evidence is currently insufficient to determine the role of this variant in disease. Therefore, it has been classified as a Variant of Uncertain Significance.